The following is an entry in ClinVar:

NM_018474.6(KIZ):c.809del (p.Lys270fs)

Gene: KIZ (kizuna centrosomal protein; plus strand). Cytogenetic location: 20p11.23.
Variant type: Deletion.
Coding change: c.809del on transcript NM_018474.6 (MANE Select); coding-DNA position 809, one base deleted (A; older notation c.809delA).
Protein change: p.Lys270fs; shifts the reading frame from lysine 270.
Molecular consequence: frameshift variant.
Genome position (GRCh38, 1-based): chr20:21,162,274, A deleted; the last of 5 consecutive A bases (chr20:21,162,270-21,162,274); deleting any one gives the same sequence. VCF-style (leftmost placement, unchanged base first): chr20-21162269-CA-C. GRCh37 (hg19) VCF-style: chr20-21142910-CA-C.
Other names: c.500del, p.Lys167fs (NM_001163022.3, NM_001352435.2); c.410del, p.Lys137fs (NM_001163023.3); c.662del, p.Lys221fs (NM_001276389.2); c.809del, p.Lys270fs (NM_001352434.2); c.467del, p.Lys156fs (NM_001352436.2); short protein forms K221fs, K137fs, K167fs, K156fs, K270fs.
Identifiers: ClinVar variation 1458616 (VCV001458616.7), dbSNP rs2122691390, ClinGen allele CA2573156934.

ClinVar aggregate classification (germline): Pathogenic/Likely pathogenic. Review status: criteria provided, multiple submitters, no conflicts (2 of 4 stars). 2 submissions from 2 submitters: Pathogenic (1); Likely pathogenic (1). Last evaluated 2024-11-05.

Conditions:
KIZ-related disorder. Also called: KIZ-related condition.

Submissions (2):

Labcorp Genetics (formerly Invitae), Labcorp
Classification: Pathogenic. Last evaluated: 2024-11-05. Review status: criteria provided, single submitter. Criteria: Invitae Variant Classification Sherloc (09022015). Collection method: clinical testing. Allele origin: germline.
Comment: This sequence change creates a premature translational stop signal (p.Lys270Serfs*13) in the KIZ gene. It is expected to result in an absent or disrupted protein product. Loss-of-function variants in KIZ are known to be pathogenic (PMID: 24680887, 29057815). This variant is not present in population databases (gnomAD no frequency). This variant has not been reported in the literature in individuals affected with KIZ-related conditions. ClinVar contains an entry for this variant (Variation ID: 1458616). For these reasons, this variant has been classified as Pathogenic.

Blueprint Genetics
Classification: Likely pathogenic for KIZ-related disorders. Last evaluated: 2022-10-11. Review status: criteria provided, single submitter. Criteria: ACMG Guidelines, 2015. Collection method: clinical testing. Allele origin: germline. Affected: yes. Observed: 1 variant allele.

Literature cited by the submitters: PubMed 24680887 (cited by Labcorp Genetics (formerly Invitae), Labcorp); PubMed 29057815 (cited by Labcorp Genetics (formerly Invitae), Labcorp).